The following is an entry in ClinVar:

NM_024675.4(PALB2):c.512T>G (p.Leu171Trp)

Gene: PALB2 (partner and localizer of BRCA2; minus strand). Cytogenetic location: 16p12.2.
Variant type: single nucleotide variant.
Coding change: c.512T>G on transcript NM_024675.4 (MANE Select); coding-DNA position 512, T replaced by G.
Protein change: p.Leu171Trp; replaces leucine 171 with tryptophan.
Molecular consequence: missense variant.
Genome position (GRCh38, 1-based): chr16:23,636,034, A>C on the plus strand (T>G on the coding strand, the complement: PALB2 is on the minus strand). VCF-style: chr16-23636034-A-C. GRCh37 (hg19) VCF-style: chr16-23647355-A-C.
Other names: short protein forms L171W.
Identifiers: ClinVar variation 231142 (VCV000231142.5), dbSNP rs876658979, ClinGen allele CA10580041.
Genomic context (GRCh38, chr16:23,636,034, plus strand): 5'-GGTGATCTAGCAGGATTTTTGCTACTGATTTCTTCCTGTTCCTTTAGTCTTTTCCCAGAC[A>C]ATCTGAGTGAATCAGTGCCAAAGACACAGTCTCTCTCCTGTGAAATAAATGTCCTCTTCT-3'
Protein context (NP_078951.2, residues 161-181): DCVFGTDSLR[Leu171Trp]SGKRLKEQEE

ClinVar aggregate classification (germline): Uncertain significance (1 of 4 stars; one submission).

Conditions:
Hereditary cancer-predisposing syndrome. Also called: Neoplastic Syndromes, Hereditary; Tumor predisposition; Hereditary Cancer Syndrome; Hereditary neoplastic syndrome. Identifiers: Orphanet 140162, MedGen C0027672, MeSH D009386, MONDO:0015356.

Submission:

Ambry Genetics
Classification: Uncertain significance for Hereditary cancer-predisposing syndrome. Last evaluated: 2022-09-07. Review status: criteria provided, single submitter. Criteria: Ambry Variant Classification Scheme 2023. Collection method: clinical testing. Allele origin: germline.
Comment: The p.L171W variant (also known as c.512T>G), located in coding exon 4 of the PALB2 gene, results from a T to G substitution at nucleotide position 512. The leucine at codon 171 is replaced by tryptophan, an amino acid with similar properties. This amino acid position is not well conserved in available vertebrate species. In addition, this alteration is predicted to be tolerated by in silico analysis. Since supporting evidence is limited at this time, the clinical significance of this alteration remains unclear.